The following is an entry in ClinVar:

NM_005245.4(FAT1):c.6808G>A (p.Asp2270Asn)

Gene: FAT1 (FAT atypical cadherin 1; minus strand). Cytogenetic location: 4q35.2.
Variant type: single nucleotide variant.
Coding change: c.6808G>A on transcript NM_005245.4 (MANE Select); coding-DNA position 6808, G replaced by A.
Protein change: p.Asp2270Asn; replaces aspartic acid 2270 with asparagine.
Molecular consequence: missense variant.
Genome position (GRCh38, 1-based): chr4:186,619,778, C>T on the plus strand (G>A on the coding strand, the complement: FAT1 is on the minus strand). VCF-style: chr4-186619778-C-T. GRCh37 (hg19) VCF-style: chr4-187540932-C-T.
Other names: short protein forms D2270N.
Identifiers: ClinVar variation 1298320 (VCV001298320.3), dbSNP rs200538725, ClinGen allele CA3166178.

ClinVar aggregate classification (germline): Uncertain significance. Review status: criteria provided, single submitter (1 of 4 stars). 2 submissions from 2 submitters: Uncertain significance (1). 1 of the submissions does not count toward it. Last evaluated 2025-12-21.

Conditions:
Autosomal dominant cerebellar ataxia. Also called: Spinocerebellar Ataxia, Dominant. Identifiers: Orphanet 99, MedGen C4087347, MONDO:0020380.

Allele frequency attached by ClinVar (database versions not stated): gnomAD 0.00004; gnomAD exomes 0.00004 and 0.00005; ExAC 0.00007; TOPMed 0.00008; ESP Exome Variant Server 0.00024.
gnomAD v4.1: 67 of 1,613,862 alleles (0.0042%); highest among the groups gnomAD compares: Non-Finnish European, 0.0055%; no homozygotes.

Submissions (2):

Labcorp Genetics (formerly Invitae), Labcorp
Classification: Uncertain significance. Last evaluated: 2025-12-21. Review status: criteria provided, single submitter. Criteria: Invitae Variant Classification Sherloc (09022015). Collection method: clinical testing. Allele origin: germline.
Comment: This sequence change replaces aspartic acid, which is acidic and polar, with asparagine, which is neutral and polar, at codon 2270 of the FAT1 protein (p.Asp2270Asn). This variant is present in population databases (rs200538725, gnomAD 0.009%). This variant has not been reported in the literature in individuals affected with FAT1-related conditions. ClinVar contains an entry for this variant (Variation ID: 1298320). An algorithm developed to predict the effect of missense changes on protein structure and function (PolyPhen-2) suggests that this variant is likely to be disruptive. In summary, the available evidence is currently insufficient to determine the role of this variant in disease. Therefore, it has been classified as a Variant of Uncertain Significance.

O&I group, Department of Genetics, University Medical Center of Groningen
Classification: Uncertain significance for Autosomal dominant cerebellar ataxia. Last evaluated: 2021-07-22. Review status: no assertion criteria provided. Collection method: research. Allele origin: unknown. Not counted in ClinVar's aggregate classification.

Literature cited by the submitters: DOI 10.3389/fgene.2022.782685 (cited by O&I group, Department of Genetics, University Medical Center of Groningen).